The following is an entry in ClinVar:

ClinVar aggregate classification (germline): Likely pathogenic (1 of 4 stars; one submission).

Conditions:
Autosomal recessive nonsyndromic hearing loss 4 (DFNB4). Also called: Deafness, autosomal recessive 4; FOXI1-Related Pendred Syndrome; KCNJ10-Related Pendred Syndrome; DEAFNESS, AUTOSOMAL RECESSIVE 4, WITH ENLARGED VESTIBULAR AQUEDUCT, DIGENIC; NEUROSENSORY NONSYNDROMIC RECESSIVE DEAFNESS 4; Nonsyndromic enlarged vestibular aqueduct (NSEVA). Identifiers: Orphanet 90636, MedGen C3538946, MONDO:0010933, OMIM 600791.

Submission:

Institute of Rare Diseases, West China Hospital, Sichuan University
Classification: Likely pathogenic for Autosomal recessive nonsyndromic hearing loss 4. Last evaluated: 2025-01-09. Review status: criteria provided, single submitter. Criteria: ClinGen HL ACMG Specifications v1. Collection method: research. Allele origin: germline. Affected: yes.
Comment: PM3;PM5;PM2_Supporting;PP3

NM_000441.2(SLC26A4):c.2147A>T (p.Asp716Val)

Genes: SLC26A4 (solute carrier family 26 member 4; plus strand), LOC123956210 (Sharpr-MPRA regulatory region 3291; plus strand). Cytogenetic location: 7q22.3.
Variant type: single nucleotide variant.
Coding change: c.2147A>T on transcript NM_000441.2 (MANE Select); coding-DNA position 2147, A replaced by T.
Protein change: p.Asp716Val; replaces aspartic acid 716 with valine.
Molecular consequence: missense variant.
Genome position (GRCh38, 1-based): chr7:107,710,111, A>T. VCF-style: chr7-107710111-A-T. GRCh37 (hg19) VCF-style: chr7-107350556-A-T.
Other names: short protein forms D716V.
Identifiers: ClinVar variation 3601762 (VCV003601762.1).